The following is an entry in ClinVar:

ClinVar aggregate classification (germline): Benign (1 of 4 stars; one submission).

gnomAD v4.1: 1,095 of 398,726 alleles (0.27%); highest among the groups gnomAD compares: East Asian, 3%; 24 homozygotes.

Submission:

CeGaT Center for Human Genetics Tuebingen
Classification: Benign. Last evaluated: 2025-04-01. Review status: criteria provided, single submitter. Criteria: CeGaT Center For Human Genetics Tuebingen Variant Classification Criteria Version 2. Collection method: clinical testing. Allele origin: germline. Affected: yes. Observed: 1 variant allele.
Comment: FRMD4A: BS1, BS2

NM_018027.5(FRMD4A):c.45+3143G>A

Gene: FRMD4A (FERM domain containing 4A; minus strand). Cytogenetic location: 10p13.
Variant type: single nucleotide variant.
Coding change: c.45+3143G>A on transcript NM_018027.5 (MANE Select); 3143 bases into the intron after coding-DNA position 45, G replaced by A.
Molecular consequence: intron variant.
Genome position (GRCh38, 1-based): chr10:14,326,915, C>T on the plus strand (G>A on the coding strand, the complement: FRMD4A is on the minus strand). VCF-style: chr10-14326915-C-T. GRCh37 (hg19) VCF-style: chr10-14368914-C-T.
Identifiers: ClinVar variation 3898225 (VCV003898225.7).
Genomic context (GRCh38, chr10:14,326,915, plus strand): 5'-CTTTCGCTGCCTGAGATTCTTGCAAAGATGGGAGAGGCAGCTTTTCAACAGCCTAAAAGG[C>T]CATCTCCACCACCAGAATGTGTCTTCTCTCCAAGTCCCCCCTTCCGTGGTCATATGAGTG-3'